The following is an entry in ClinVar:

ClinVar aggregate classification (germline): Pathogenic/Likely pathogenic. Review status: criteria provided, multiple submitters, no conflicts (2 of 4 stars). 2 submissions from 2 submitters: Pathogenic (1); Likely pathogenic (1). Last evaluated 2025-09-02.

Conditions:
Hereditary cancer-predisposing syndrome. Also called: Neoplastic Syndromes, Hereditary; Hereditary Cancer Syndrome; Hereditary neoplastic syndrome; Tumor predisposition. Identifiers: Orphanet 140162, MedGen C0027672, MeSH D009386, MONDO:0015356.
Gastrointestinal stromal tumor. Also called: Gastrointestinal stromal tumor, somatic; Gastrointestinal stroma tumor. Identifiers: Orphanet 44890, MedGen C0238198, MeSH D046152, MONDO:0011719, OMIM 606764, HP:0100723.

Submissions (2):

Labcorp Genetics (formerly Invitae), Labcorp
Classification: Pathogenic for Gastrointestinal stromal tumor. Last evaluated: 2025-09-02. Review status: criteria provided, single submitter. Criteria: Invitae Variant Classification Sherloc (09022015). Collection method: clinical testing. Allele origin: germline.
Comment: This sequence change replaces asparagine, which is neutral and polar, with lysine, which is basic and polar, at codon 655 of the KIT protein (p.Asn655Lys). This variant is not present in population databases (gnomAD no frequency). This missense change has been observed in individuals with GIST and cutaneous mastocytosis (PMID: 17489795, 21569090, 33212994; internal data). It has also been observed to segregate with disease in related individuals. ClinVar contains an entry for this variant (Variation ID: 375924). An algorithm developed to predict the effect of missense changes on protein structure and function (PolyPhen-2) suggests that this variant is likely to be disruptive. Experimental studies have shown that this missense change affects KIT function (PMID: 17489795). For these reasons, this variant has been classified as Pathogenic.

Ambry Genetics
Classification: Likely pathogenic for Hereditary cancer-predisposing syndrome. Last evaluated: 2024-05-07. Review status: criteria provided, single submitter. Criteria: Ambry Variant Classification Scheme 2023. Collection method: clinical testing. Allele origin: germline.
Comment: The p.N655K variant (also known as c.1965T>G), located in coding exon 13 of the KIT gene, results from a T to G substitution at nucleotide position 1965. The asparagine at codon 655 is replaced by lysine, an amino acid with similar properties. This variant was reported in multiple individuals with features consistent with KIT-related gastrointestinal stromal tumor syndrome (Fornasarig M et al. J Pers Med, 2020 Nov;10; Ingley KM et al. NPJ Genom Med, 2024 Mar;9:24; External communication). A protein functional study demonstrated this variant to result in autophosphorylation and to be sensitive to kinase inhibitors (Kinoshita K et al. Am J Gastroenterol, 2007 May;102:1134-6). This amino acid position is highly conserved in available vertebrate species. In addition, the in silico prediction for this alteration is inconclusive. This variant is considered to be rare based on population cohorts in the Genome Aggregation Database (gnomAD). Based on the majority of available evidence to date, this variant is likely to be pathogenic.

Literature cited by the submitters: PubMed 17489795 (cited by Labcorp Genetics (formerly Invitae), Labcorp and Ambry Genetics); PubMed 21569090 (cited by Labcorp Genetics (formerly Invitae), Labcorp); PubMed 33212994 (cited by Labcorp Genetics (formerly Invitae), Labcorp and Ambry Genetics); PubMed 38538628 (cited by Ambry Genetics).

NM_000222.3(KIT):c.1965T>G (p.Asn655Lys)

Gene: KIT (KIT proto-oncogene, receptor tyrosine kinase; plus strand). Cytogenetic location: 4q12.
Variant type: single nucleotide variant.
Coding change: c.1965T>G on transcript NM_000222.3 (MANE Select); coding-DNA position 1965, T replaced by G.
Protein change: p.Asn655Lys; replaces asparagine 655 with lysine.
Molecular consequence: missense variant.
Genome position (GRCh38, 1-based): chr4:54,728,096, T>G. VCF-style: chr4-54728096-T-G. GRCh37 (hg19) VCF-style: chr4-55594262-T-G.
Other names: c.1953T>G, p.Asn651Lys (NM_001093772.2, NM_001385286.1); c.1968T>G, p.Asn656Lys (NM_001385284.1, NM_001385290.1); c.1965T>G, p.Asn655Lys (NM_001385285.1); c.1956T>G, p.Asn652Lys (NM_001385288.1, NM_001385292.1); short protein forms N655K, N651K, N652K, N656K.
Identifiers: ClinVar variation 375924 (VCV000375924.13), dbSNP rs1057519708, ClinGen allele CA16602405.